The following is an entry in ClinVar:

NM_000528.4(MAN2B1):c.681G>A (p.Trp227Ter)

Gene: MAN2B1 (mannosidase alpha class 2B member 1; minus strand). Cytogenetic location: 19p13.13.
Variant type: single nucleotide variant.
Coding change: c.681G>A on transcript NM_000528.4 (MANE Select); coding-DNA position 681, G replaced by A.
Protein change: p.Trp227Ter; replaces tryptophan 227 with a stop codon.
Molecular consequence: nonsense.
Genome position (GRCh38, 1-based): chr19:12,663,785, C>T on the plus strand (G>A on the coding strand, the complement: MAN2B1 is on the minus strand). VCF-style: chr19-12663785-C-T. GRCh37 (hg19) VCF-style: chr19-12774599-C-T.
Other names: c.681G>A (NM_000528.3); c.681G>A, p.Trp227Ter (NM_001173498.2); short protein forms W227*.
Identifiers: ClinVar variation 2815184 (VCV002815184.4), dbSNP rs2512512433, ClinGen allele CA404252917.

ClinVar aggregate classification (germline): Pathogenic/Likely pathogenic. Review status: criteria provided, multiple submitters, no conflicts (2 of 4 stars). 2 submissions from 2 submitters: Pathogenic (1); Likely pathogenic (1). Last evaluated 2024-02-27.

Conditions:
Deficiency of alpha-mannosidase (MANSA). Also called: Alpha-Mannosidosis; LYSOSOMAL ALPHA-D-MANNOSIDASE DEFICIENCY; Mannosidosis, alpha-, types I and II. Identifiers: Orphanet 61, MedGen C0024748, MONDO:0009561, OMIM 248500.

Allele frequency attached by ClinVar (database versions not stated): gnomAD 0.00001.
gnomAD v4.1: 4 of 1,614,054 alleles (0.00025%); highest among the groups gnomAD compares: East Asian, 0.0022%; no homozygotes.

Submissions (2):

Natera, Inc.
Classification: Likely pathogenic for Alpha-mannosidosis. Last evaluated: 2024-02-27. Review status: criteria provided, single submitter. Criteria: Natera Variant Classification Schema (03/2026). Collection method: clinical testing. Allele origin: germline.
Comment: The c.681G>A variant in MAN2B1 is a nonsense variant predicted to introduce a stop codon at amino acid 227. This variant is expected to result in nonsense mediated decay, truncation, or a dysfunctional protein product. This variant is rare in the general population with a frequency below the threshold expected for the associated phenotype(s). Given the available evidence, this variant is classified as Likely Pathogenic.

Labcorp Genetics (formerly Invitae), Labcorp
Classification: Pathogenic for Deficiency of alpha-mannosidase. Last evaluated: 2022-11-19. Review status: criteria provided, single submitter. Criteria: Invitae Variant Classification Sherloc (09022015). Collection method: clinical testing. Allele origin: germline.
Comment: For these reasons, this variant has been classified as Pathogenic. Algorithms developed to predict the effect of sequence changes on RNA splicing suggest that this variant may create or strengthen a splice site. This variant has not been reported in the literature in individuals affected with MAN2B1-related conditions. This variant is not present in population databases (gnomAD no frequency). This sequence change creates a premature translational stop signal (p.Trp227*) in the MAN2B1 gene. It is expected to result in an absent or disrupted protein product. Loss-of-function variants in MAN2B1 are known to be pathogenic (PMID: 9915946, 22161967).

Literature cited by the submitters: PubMed 9915946 (cited by Labcorp Genetics (formerly Invitae), Labcorp); PubMed 22161967 (cited by Labcorp Genetics (formerly Invitae), Labcorp).